The following is an entry in ClinVar:

ClinVar aggregate classification (germline): Uncertain significance (1 of 4 stars; one submission).

Conditions:
Long QT syndrome (LQTS). Identifiers: MedGen C0023976, MeSH D008133, MONDO:0002442. Disease mechanism: loss of function. Inheritance: Various modes of inheritance.

Submission:

Labcorp Genetics (formerly Invitae), Labcorp
Classification: Uncertain significance for Long QT syndrome. Last evaluated: 2021-04-16. Review status: criteria provided, single submitter. Criteria: Invitae Variant Classification Sherloc (09022015). Collection method: clinical testing. Allele origin: germline.
Comment: In summary, the available evidence is currently insufficient to determine the role of this variant in disease. Therefore, it has been classified as a Variant of Uncertain Significance. Algorithms developed to predict the effect of missense changes on protein structure and function output the following: SIFT: "Tolerated"; PolyPhen-2: "Benign"; Align-GVGD: "Class C0". The alanine amino acid residue is found in multiple mammalian species, suggesting that this missense change does not adversely affect protein function. These predictions have not been confirmed by published functional studies and their clinical significance is uncertain. This variant has not been reported in the literature in individuals with AKAP9-related conditions. This variant is not present in population databases (ExAC no frequency). This sequence change replaces threonine with alanine at codon 2576 of the AKAP9 protein (p.Thr2576Ala). The threonine residue is weakly conserved and there is a small physicochemical difference between threonine and alanine.

NM_005751.5(AKAP9):c.7726A>G (p.Thr2576Ala)

Gene: AKAP9 (A-kinase anchoring protein 9; plus strand). Cytogenetic location: 7q21.2.
Variant type: single nucleotide variant.
Coding change: c.7726A>G on transcript NM_005751.5 (MANE Select); coding-DNA position 7726, A replaced by G.
Protein change: p.Thr2576Ala; replaces threonine 2576 with alanine.
Molecular consequence: missense variant.
Genome position (GRCh38, 1-based): chr7:92,079,859, A>G. VCF-style: chr7-92079859-A-G. GRCh37 (hg19) VCF-style: chr7-91709173-A-G.
Other names: c.2371A>G, p.Thr791Ala (NM_001379277.1); c.7702A>G, p.Thr2568Ala (NM_147185.3); short protein forms T2576A, T2568A, T791A.
Identifiers: ClinVar variation 1520899 (VCV001520899.8), dbSNP rs2130862491, ClinGen allele CA368136384.
Genomic context (GRCh38, chr7:92,079,859, plus strand): 5'-GTCAGTCAAATCCAACTTGAGGCAGTTCAGGAATATGCAAAATTCTGTCAAGATAATCAA[A>G]CAATTTCATCAGAACCTGAAAGAACAAATATTCAGAATTTAAATCAACTAAGAGAAGATG-3'
Protein context (NP_005742.4, residues 2566-2586): EYAKFCQDNQ[Thr2576Ala]ISSEPERTNI